The following is an entry in ClinVar:

ClinVar aggregate classification (germline): Uncertain significance (1 of 4 stars; one submission).

Submission:

GeneDx
Classification: Uncertain significance. Last evaluated: 2024-03-05. Review status: criteria provided, single submitter. Criteria: GeneDx Variant Classification Process June 2021. Collection method: clinical testing. Allele origin: germline. Affected: yes.
Comment: In silico analysis supports that this missense variant does not alter protein structure/function; Has not been previously published as pathogenic or benign to our knowledge

NM_002408.4(MGAT2):c.1237A>G (p.Ile413Val)

Gene: MGAT2 (alpha-1,6-mannosyl-glycoprotein 2-beta-N-acetylglucosaminyltransferase; plus strand). Cytogenetic location: 14q21.3.
Variant type: single nucleotide variant.
Coding change: c.1237A>G on transcript NM_002408.4 (MANE Select); coding-DNA position 1237, A replaced by G.
Protein change: p.Ile413Val; replaces isoleucine 413 with valine.
Molecular consequence: missense variant.
Genome position (GRCh38, 1-based): chr14:49,622,505, A>G. VCF-style: chr14-49622505-A-G. GRCh37 (hg19) VCF-style: chr14-50089223-A-G.
Other names: short protein forms I413V.
Identifiers: ClinVar variation 3340181 (VCV003340181.1).